The following is an entry in ClinVar:

ClinVar aggregate classification (germline): Uncertain significance (1 of 4 stars; one submission).

Conditions:
Amyotrophic lateral sclerosis type 19. Identifiers: Orphanet 803, MedGen C3715155, MONDO:0014223, OMIM 615515.

gnomAD v4.1: 1 of 1,612,814 alleles (0.000062%); highest among the groups gnomAD compares: Non-Finnish European, 0.000085%; no homozygotes.

Submission:

Dasa
Classification: Uncertain significance for Amyotrophic lateral sclerosis type 19. Last evaluated: 2025-11-12. Review status: criteria provided, single submitter. Criteria: DASA Assertion Criteria. Collection method: clinical testing. Allele origin: germline.
Comment: NM_005235.3(ERBB4):c.3077A>G (p.Gln1026Arg) is a missense variant that results in the substitution of glutamine with arginine. This variant is rare in population databases. Computational prediction algorithms are consistent with a benign effect. The currently available literature and clinical evidence are not sufficient to establish a definitive association between this variant and the reported condition. Therefore, this variant is classified as a variant of uncertain significance.

NM_005235.3(ERBB4):c.3077A>G (p.Gln1026Arg)

Gene: ERBB4 (erb-b2 receptor tyrosine kinase 4; minus strand). Cytogenetic location: 2q34.
Variant type: single nucleotide variant.
Coding change: c.3077A>G on transcript NM_005235.3 (MANE Select); coding-DNA position 3077, A replaced by G.
Protein change: p.Gln1026Arg; replaces glutamine 1026 with arginine.
Molecular consequence: missense variant.
Genome position (GRCh38, 1-based): chr2:211,420,499, T>C on the plus strand (A>G on the coding strand, the complement: ERBB4 is on the minus strand). VCF-style: chr2-211420499-T-C. GRCh37 (hg19) VCF-style: chr2-212285224-T-C.
Other names: c.3077A>G, p.Gln1026Arg (NM_001042599.2); c.3047A>G, p.Gln1016Arg (NM_001439005.1, NM_001439006.1); short protein forms Q1016R, Q1026R.
Identifiers: ClinVar variation 4881977 (VCV004881977.2).